The following is an entry in ClinVar:

NM_001378183.1(PIEZO2):c.4367G>A (p.Ser1456Asn)

Gene: PIEZO2 (piezo type mechanosensitive ion channel component 2; minus strand). Cytogenetic location: 18p11.22.
Variant type: single nucleotide variant.
Coding change: c.4367G>A on transcript NM_001378183.1 (MANE Select); coding-DNA position 4367, G replaced by A.
Protein change: p.Ser1456Asn; replaces serine 1456 with asparagine.
Molecular consequence: missense variant.
Genome position (GRCh38, 1-based): chr18:10,748,528, C>T on the plus strand (G>A on the coding strand, the complement: PIEZO2 is on the minus strand). VCF-style: chr18-10748528-C-T. GRCh37 (hg19) VCF-style: chr18-10748526-C-T.
Other names: c.4292G>A, p.Ser1431Asn (NM_022068.4); short protein forms S1431N, S1456N.
Identifiers: ClinVar variation 587494 (VCV000587494.8), dbSNP rs1568013762, ClinGen allele CA401918435.

ClinVar aggregate classification (germline): Uncertain significance. Review status: criteria provided, multiple submitters, no conflicts (2 of 4 stars). 2 submissions from 2 submitters: Uncertain significance (2). Last evaluated 2022-09-16.

Conditions:
autosomal recessive PIEZO2 associated disease.

Allele frequency attached by ClinVar (database versions not stated): gnomAD exomes below 0.00001 and 0.00001; TOPMed 0.00001.
gnomAD v4.1: 5 of 1,536,590 alleles (0.00033%); highest among the groups gnomAD compares: South Asian, 0.0012%; no homozygotes.

Submissions (2):

Labcorp Genetics (formerly Invitae), Labcorp
Classification: Uncertain significance. Last evaluated: 2022-09-16. Review status: criteria provided, single submitter. Criteria: Invitae Variant Classification Sherloc (09022015). Collection method: clinical testing. Allele origin: germline.
Comment: This sequence change replaces serine, which is neutral and polar, with asparagine, which is neutral and polar, at codon 1431 of the PIEZO2 protein (p.Ser1431Asn). This variant is not present in population databases (gnomAD no frequency). This variant has not been reported in the literature in individuals affected with PIEZO2-related conditions. ClinVar contains an entry for this variant (Variation ID: 587494). Advanced modeling of protein sequence and biophysical properties (such as structural, functional, and spatial information, amino acid conservation, physicochemical variation, residue mobility, and thermodynamic stability) performed at Invitae indicates that this missense variant is expected to disrupt PIEZO2 protein function. In summary, the available evidence is currently insufficient to determine the role of this variant in disease. Therefore, it has been classified as a Variant of Uncertain Significance.

Genomic Research Center, Shahid Beheshti University of Medical Sciences
Classification: Uncertain significance for autosomal recessive PIEZO2 associated disease. Last evaluated: 2018-08-07. Review status: criteria provided, single submitter. Criteria: ACMG Guidelines, 2015. Collection method: clinical testing. Allele origin: inherited. Affected: yes. Observed: 1 variant allele.